The following is an entry in ClinVar:

NM_145290.4(ADGRA3):c.734A>G (p.Tyr245Cys)

Gene: ADGRA3 (adhesion G protein-coupled receptor A3; minus strand). Cytogenetic location: 4p15.2.
Variant type: single nucleotide variant.
Coding change: c.734A>G on transcript NM_145290.4 (MANE Select); coding-DNA position 734, A replaced by G.
Protein change: p.Tyr245Cys; replaces tyrosine 245 with cysteine.
Molecular consequence: missense variant.
Genome position (GRCh38, 1-based): chr4:22,442,836, T>C on the plus strand (A>G on the coding strand, the complement: ADGRA3 is on the minus strand). VCF-style: chr4-22442836-T-C. GRCh37 (hg19) VCF-style: chr4-22444459-T-C.
Other names: c.734A>G (NM_145290.2); short protein forms Y245C.
Identifiers: ClinVar variation 2420029 (VCV002420029.7), dbSNP rs754627253, ClinGen allele CA2874142.

ClinVar aggregate classification (germline): Uncertain significance. Review status: criteria provided, multiple submitters, no conflicts (2 of 4 stars). 2 submissions from 2 submitters: Uncertain significance (2). Last evaluated 2025-03-18.

Allele frequency attached by ClinVar (database versions not stated): gnomAD exomes below 0.00001; TOPMed below 0.00001; ExAC 0.00001.
gnomAD v4.1: 4 of 1,613,098 alleles (0.00025%); highest among the groups gnomAD compares: Admixed American, 0.0017%; no homozygotes.

Submissions (2):

Ambry Genetics
Classification: Uncertain significance. Last evaluated: 2025-03-18. Review status: criteria provided, single submitter. Criteria: Ambry Variant Classification Scheme 2023. Collection method: clinical testing. Allele origin: germline.

Labcorp Genetics (formerly Invitae), Labcorp
Classification: Uncertain significance. Last evaluated: 2022-11-08. Review status: criteria provided, single submitter. Criteria: Invitae Variant Classification Sherloc (09022015). Collection method: clinical testing. Allele origin: germline.
Comment: The frequency data for this variant in the population databases is considered unreliable, as metrics indicate poor data quality at this position in the gnomAD database. In summary, the available evidence is currently insufficient to determine the role of this variant in disease. Therefore, it has been classified as a Variant of Uncertain Significance. Algorithms developed to predict the effect of missense changes on protein structure and function are either unavailable or do not agree on the potential impact of this missense change (SIFT: "Deleterious"; PolyPhen-2: "Probably Damaging"; Align-GVGD: "Class C0"). This variant has not been reported in the literature in individuals affected with ADGRA3-related conditions. This sequence change replaces tyrosine, which is neutral and polar, with cysteine, which is neutral and slightly polar, at codon 245 of the ADGRA3 protein (p.Tyr245Cys).